The following is an entry in ClinVar:

NM_007327.4(GRIN1):c.1084G>A (p.Val362Met)

Gene: GRIN1 (glutamate ionotropic receptor NMDA type subunit 1; plus strand). Cytogenetic location: 9q34.3.
Variant type: single nucleotide variant.
Coding change: c.1084G>A on transcript NM_007327.4 (MANE Select); coding-DNA position 1084, G replaced by A.
Protein change: p.Val362Met; replaces valine 362 with methionine.
Molecular consequence: missense variant.
Genome position (GRCh38, 1-based): chr9:137,158,494, G>A. VCF-style: chr9-137158494-G-A. GRCh37 (hg19) VCF-style: chr9-140052946-G-A.
Other names: c.1084G>A, p.Val362Met (NM_000832.7, NM_021569.4); c.1147G>A, p.Val383Met (NM_001185090.2, NM_001185091.2); short protein forms V383M, V362M.
Identifiers: ClinVar variation 1468292 (VCV001468292.8), dbSNP rs1040871167, ClinGen allele CA201739177.

ClinVar aggregate classification (germline): Uncertain significance (1 of 4 stars; one submission).

Conditions:
Neurodevelopmental disorder with or without hyperkinetic movements and seizures, autosomal dominant. Also called: Intellectual disability, autosomal dominant 8. Identifiers: MedGen C3280282, MONDO:0013655, OMIM 614254.

Allele frequency attached by ClinVar (database versions not stated): gnomAD exomes below 0.00001; TOPMed below 0.00001; gnomAD 0.00001.

Submission:

Labcorp Genetics (formerly Invitae), Labcorp
Classification: Uncertain significance for Neurodevelopmental disorder with or without hyperkinetic movements and seizures, autosomal dominant. Last evaluated: 2021-06-15. Review status: criteria provided, single submitter. Criteria: Invitae Variant Classification Sherloc (09022015). Collection method: clinical testing. Allele origin: germline.
Comment: This sequence change replaces valine with methionine at codon 362 of the GRIN1 protein (p.Val362Met). The valine residue is highly conserved and there is a small physicochemical difference between valine and methionine. This variant is not present in population databases (ExAC no frequency). In summary, the available evidence is currently insufficient to determine the role of this variant in disease. Therefore, it has been classified as a Variant of Uncertain Significance. Advanced modeling of protein sequence and biophysical properties (such as structural, functional, and spatial information, amino acid conservation, physicochemical variation, residue mobility, and thermodynamic stability) performed at Invitae indicates that this missense variant is not expected to disrupt GRIN1 protein function. This variant has not been reported in the literature in individuals with GRIN1-related conditions.